The following is an entry in ClinVar:

NM_000088.4(COL1A1):c.1461+4A>G

Gene: COL1A1 (collagen type I alpha 1 chain; minus strand). Cytogenetic location: 17q21.33.
Variant type: single nucleotide variant.
Coding change: c.1461+4A>G on transcript NM_000088.4 (MANE Select); 4 bases into the intron after coding-DNA position 1461, A replaced by G.
Molecular consequence: intron variant.
Genome position (GRCh38, 1-based): chr17:50,194,717, T>C on the plus strand (A>G on the coding strand, the complement: COL1A1 is on the minus strand). VCF-style: chr17-50194717-T-C. GRCh37 (hg19) VCF-style: chr17-48272078-T-C.
Identifiers: ClinVar variation 4231941 (VCV004231941.1).
Genomic context (GRCh38, chr17:50,194,717, plus strand): 5'-GCGACACACAGGCACCAGCCAGGCAATGAGGGTGGAGCGGGAGGGGGCGGGCAGGGACAC[T>C]TACACGCTCGCCAGGGGGTCCGGGCAGGCCAGTGGGTCCGGGTTCACCTCGAGCTCCTCG-3'

ClinVar aggregate classification (germline): Uncertain significance (1 of 4 stars; one submission).

Conditions:
Cardiovascular phenotype. Identifiers: MedGen CN230736.

Submission:

Ambry Genetics
Classification: Uncertain significance for Cardiovascular phenotype. Last evaluated: 2025-07-09. Review status: criteria provided, single submitter. Criteria: Ambry Variant Classification Scheme 2023. Collection method: clinical testing. Allele origin: germline.
Comment: The c.1461+4A>G intronic variant results from an A to G substitution 4 nucleotides after coding exon 21 in the COL1A1 gene. This nucleotide position is not well conserved in available vertebrate species. In silico splice site analysis predicts that this alteration may result in the creation or strengthening of a novel splice donor site. Based on the available evidence, the clinical significance of this variant remains unclear.